The following is an entry in ClinVar:

NM_000053.4(ATP7B):c.4392C>T (p.Tyr1464=)

Gene: ATP7B (ATPase copper transporting beta; minus strand). Cytogenetic location: 13q14.3.
Variant type: single nucleotide variant.
Coding change: c.4392C>T on transcript NM_000053.4 (MANE Select); coding-DNA position 4392, C replaced by T.
Protein change: p.Tyr1464=; no amino-acid change (tyrosine 1464 retained).
Molecular consequence: synonymous variant.
Genome position (GRCh38, 1-based): chr13:51,934,762, G>A on the plus strand (C>T on the coding strand, the complement: ATP7B is on the minus strand). VCF-style: chr13-51934762-G-A. GRCh37 (hg19) VCF-style: chr13-52508898-G-A.
Other names: c.3771C>T, p.Tyr1257= (NM_001005918.3); c.4059C>T, p.Tyr1353= (NM_001243182.2); c.4158C>T, p.Tyr1386= (NM_001330578.2, NM_001406527.1, NM_001406528.1); c.4140C>T, p.Tyr1380= (NM_001330579.2, NM_001406531.1, NM_001406532.1); c.4392C>T, p.Tyr1464= (NM_001406511.1, NM_001406512.1); c.4386C>T, p.Tyr1462= (NM_001406513.1); c.4359C>T, p.Tyr1453= (NM_001406514.1); c.4338C>T, p.Tyr1446= (NM_001406515.1, NM_001406516.1); and 21 more.
Identifiers: ClinVar variation 2911524 (VCV002911524.4), dbSNP rs907466220, ClinGen allele CA250071416.

ClinVar aggregate classification (germline): Likely benign. Review status: criteria provided, multiple submitters, no conflicts (2 of 4 stars). 2 submissions from 2 submitters: Likely benign (2). Last evaluated 2024-02-05.

Conditions:
Wilson disease (WND). Also called: Wilson's disease. Identifiers: Orphanet 905, MedGen C0019202, MONDO:0010200, OMIM 277900. Disease mechanism: loss of function.

Allele frequency attached by ClinVar (database versions not stated): gnomAD exomes below 0.00001; TOPMed below 0.00001.
gnomAD v4.1: 1 of 1,613,694 alleles (0.000062%); highest among the groups gnomAD compares: Admixed American, 0.0017%; no homozygotes.

Submissions (2):

All of Us Research Program, National Institutes of Health
Classification: Likely benign for Wilson disease. Last evaluated: 2024-02-05. Review status: criteria provided, single submitter. Criteria: ACMG Guidelines, 2015. Collection method: clinical testing. Allele origin: germline. Inheritance: Autosomal recessive inheritance. Observed: 2 variant alleles, 2 heterozygotes.
Comment: This study involves interpretation of variants in research participants for the purpose of population health screening. Participant phenotype was not available at the time of variant classification. Additional details can be found in publication PMID: 35346344, PMCID: PMC8962531

Labcorp Genetics (formerly Invitae), Labcorp
Classification: Likely benign for Wilson disease. Last evaluated: 2022-11-17. Review status: criteria provided, single submitter. Criteria: Invitae Variant Classification Sherloc (09022015). Collection method: clinical testing. Allele origin: germline.